The following is an entry in ClinVar:

ClinVar aggregate classification (germline): Uncertain significance (1 of 4 stars; one submission).

Conditions:
Cardiovascular phenotype. Identifiers: MedGen CN230736.

gnomAD v4.1: 10 of 1,610,856 alleles (0.00062%); highest among the groups gnomAD compares: Admixed American, 0.005%; no homozygotes.

Submission:

Ambry Genetics
Classification: Uncertain significance for Cardiovascular phenotype. Last evaluated: 2026-07-31. Review status: criteria provided, single submitter. Criteria: Ambry Variant Classification Scheme 2023. Collection method: clinical testing. Allele origin: germline.
Comment: The p.R266W variant (also known as c.796C>T), located in coding exon 9 of the LDLRAP1 gene, results from a C to T substitution at nucleotide position 796. The arginine at codon 266 is replaced by tryptophan, an amino acid with dissimilar properties. This amino acid position is highly conserved in available vertebrate species. In addition, this alteration is predicted to be deleterious by in silico analysis. Based on the available evidence, the clinical significance of this variant remains unclear.

NM_015627.3(LDLRAP1):c.796C>T (p.Arg266Trp)

Gene: LDLRAP1 (low density lipoprotein receptor adaptor protein 1; plus strand). Cytogenetic location: 1p36.11.
Variant type: single nucleotide variant.
Coding change: c.796C>T on transcript NM_015627.3 (MANE Select); coding-DNA position 796, C replaced by T.
Protein change: p.Arg266Trp; replaces arginine 266 with tryptophan.
Molecular consequence: missense variant.
Genome position (GRCh38, 1-based): chr1:25,566,861, C>T. VCF-style: chr1-25566861-C-T. GRCh37 (hg19) VCF-style: chr1-25893352-C-T.
Other names: short protein forms R266W.
Identifiers: ClinVar variation 5023558 (VCV005023558.1).